The following is an entry in ClinVar:

ClinVar aggregate classification (germline): Pathogenic (1 of 4 stars; one submission).

Submission:

Labcorp Genetics (formerly Invitae), Labcorp
Classification: Pathogenic. Last evaluated: 2023-07-31. Review status: criteria provided, single submitter. Criteria: Invitae Variant Classification Sherloc (09022015). Collection method: clinical testing. Allele origin: germline.
Comment: This sequence change creates a premature translational stop signal (p.Ala2319Leufs*126) in the ZNF469 gene. While this is not anticipated to result in nonsense mediated decay, it is expected to disrupt the last 1607 amino acid(s) of the ZNF469 protein. For these reasons, this variant has been classified as Pathogenic. This variant disrupts a region of the ZNF469 protein in which other variant(s) (p.Arg3414Glyfs*59) have been determined to be pathogenic (PMID: 32671420). This suggests that this is a clinically significant region of the protein, and that variants that disrupt it are likely to be disease-causing. This variant has not been reported in the literature in individuals affected with ZNF469-related conditions. This variant is not present in population databases (gnomAD no frequency).

Literature cited by the submitters: PubMed 32671420.

NM_001367624.2(ZNF469):c.7038del (p.Ala2347fs)

Gene: ZNF469 (zinc finger protein 469; plus strand). Cytogenetic location: 16q24.2.
Variant type: Deletion.
Coding change: c.7038del on transcript NM_001367624.2 (MANE Select); coding-DNA position 7038, one base deleted (A; older notation c.7038delA).
Protein change: p.Ala2347fs; shifts the reading frame from alanine 2347.
Molecular consequence: frameshift variant.
Genome position (GRCh38, 1-based): chr16:88,434,508, A deleted. VCF-style (leftmost placement, unchanged base first): chr16-88434507-CA-C. GRCh37 (hg19) VCF-style: chr16-88500915-CA-C.
Other names: short protein forms A2347fs.
Identifiers: ClinVar variation 2748672 (VCV002748672.3), dbSNP rs2507595241, ClinGen allele CA2697556047.